The following is an entry in ClinVar:

NM_001352754.2(ARMC9):c.1733G>A (p.Gly578Asp)

Gene: ARMC9 (armadillo repeat containing 9; plus strand). Cytogenetic location: 2q37.1.
Variant type: single nucleotide variant.
Coding change: c.1733G>A on transcript NM_001352754.2 (MANE Select); coding-DNA position 1733, G replaced by A.
Protein change: p.Gly578Asp; replaces glycine 578 with aspartic acid.
Molecular consequence: missense variant. On other transcripts: non-coding transcript variant (1).
Genome position (GRCh38, 1-based): chr2:231,296,213, G>A. VCF-style: chr2-231296213-G-A. GRCh37 (hg19) VCF-style: chr2-232160926-G-A.
Other names: c.1733G>A, p.Gly578Asp (NM_001271466.4, NM_001291656.2, NM_001352755.2 and 3 more transcripts); c.1634G>A, p.Gly545Asp (NM_001352757.2, NM_001352758.2); short protein forms G545D, G578D.
Identifiers: ClinVar variation 1002919 (VCV001002919.7), dbSNP rs769808996, ClinGen allele CA2160466.

ClinVar aggregate classification (germline): Uncertain significance (1 of 4 stars; one submission).

Allele frequency attached by ClinVar (database versions not stated): gnomAD 0.00003; TOPMed 0.00004.
gnomAD v4.1: 16 of 1,613,250 alleles (0.00099%); highest among the groups gnomAD compares: East Asian, 0.022%; no homozygotes.

Submission:

Labcorp Genetics (formerly Invitae), Labcorp
Classification: Uncertain significance. Last evaluated: 2023-08-10. Review status: criteria provided, single submitter. Criteria: Invitae Variant Classification Sherloc (09022015). Collection method: clinical testing. Allele origin: germline.
Comment: This sequence change replaces glycine, which is neutral and non-polar, with aspartic acid, which is acidic and polar, at codon 578 of the ARMC9 protein (p.Gly578Asp). This variant is present in population databases (rs769808996, gnomAD 0.03%). This variant has not been reported in the literature in individuals affected with ARMC9-related conditions. ClinVar contains an entry for this variant (Variation ID: 1002919). Experimental studies and prediction algorithms are not available or were not evaluated, and the functional significance of this variant is currently unknown. In summary, the available evidence is currently insufficient to determine the role of this variant in disease. Therefore, it has been classified as a Variant of Uncertain Significance.